The following is an entry in ClinVar:

ClinVar aggregate classification (germline): Uncertain significance (1 of 4 stars; one submission).

Conditions:
Inborn genetic diseases. Identifiers: MedGen C0950123, MeSH D030342.

Submission:

Ambry Genetics
Classification: Uncertain significance for Inborn genetic diseases. Last evaluated: 2022-11-30. Review status: criteria provided, single submitter. Criteria: Ambry Variant Classification Scheme 2023. Collection method: clinical testing. Allele origin: germline.
Comment: The p.D1296A variant (also known as c.3887A>C), located in coding exon 28 of the LRRK2 gene, results from an A to C substitution at nucleotide position 3887. The aspartic acid at codon 1296 is replaced by alanine, an amino acid with dissimilar properties. This amino acid position is conserved. In addition, the in silico prediction for this alteration is inconclusive. Since supporting evidence is limited at this time, the clinical significance of this alteration remains unclear.

NM_198578.4(LRRK2):c.3887A>C (p.Asp1296Ala)

Gene: LRRK2 (leucine rich repeat kinase 2; plus strand). Cytogenetic location: 12q12.
Variant type: single nucleotide variant.
Coding change: c.3887A>C on transcript NM_198578.4 (MANE Select); coding-DNA position 3887, A replaced by C.
Protein change: p.Asp1296Ala; replaces aspartic acid 1296 with alanine.
Molecular consequence: missense variant.
Genome position (GRCh38, 1-based): chr12:40,305,894, A>C. VCF-style: chr12-40305894-A-C. GRCh37 (hg19) VCF-style: chr12-40699696-A-C.
Other names: short protein forms D1296A.
Identifiers: ClinVar variation 2489399 (VCV002489399.2), dbSNP rs374991346, ClinGen allele CA384417270.
Genomic context (GRCh38, chr12:40,305,894, plus strand): 5'-GTTACAACTTGGAACTAAGATCCTTTCCCAATGAAATGGGGAAATTAAGCAAAATATGGG[A>C]TCTTCCTTTGGATGAACTGCATCTTAACTTTGATTTTAAACATATAGGATGTAAAGCCAA-3'
Protein context (NP_940980.4, residues 1286-1306): NEMGKLSKIW[Asp1296Ala]LPLDELHLNF